The following is an entry in ClinVar:

ClinVar aggregate classification (germline): Uncertain significance. Review status: criteria provided, multiple submitters, no conflicts (2 of 4 stars). 2 submissions from 2 submitters: Uncertain significance (2). Last evaluated 2026-02-27.

Allele frequency attached by ClinVar (database versions not stated): gnomAD exomes below 0.00001; ExAC 0.00001.
gnomAD v4.1: 1 of 1,614,010 alleles (0.000062%); highest among the groups gnomAD compares: Non-Finnish European, 0.000085%; no homozygotes.

Submissions (2):

Ambry Genetics
Classification: Uncertain significance. Last evaluated: 2026-02-27. Review status: criteria provided, single submitter. Criteria: Ambry Variant Classification Scheme 2023. Collection method: clinical testing. Allele origin: germline.
Comment: The p.I385V variant (also known as c.1153A>G), located in coding exon 11 of the KIF1B gene, results from an A to G substitution at nucleotide position 1153. The isoleucine at codon 385 is replaced by valine, an amino acid with highly similar properties. This amino acid position is highly conserved in available vertebrate species. In addition, the in silico prediction for this alteration is inconclusive. The evidence for this gene-disease relationship is limited; therefore, the clinical significance of this variant is unclear.

CeGaT Center for Human Genetics Tuebingen
Classification: Uncertain significance. Last evaluated: 2020-12-01. Review status: criteria provided, single submitter. Criteria: CeGaT Center For Human Genetics Tuebingen Variant Classification Criteria Version 2. Collection method: clinical testing. Allele origin: germline. Affected: yes. Observed: 1 variant allele.

NM_001365951.3(KIF1B):c.1171A>G (p.Ile391Val)

Gene: KIF1B (kinesin family member 1B; plus strand). Cytogenetic location: 1p36.22.
Variant type: single nucleotide variant.
Coding change: c.1171A>G on transcript NM_001365951.3 (MANE Select); coding-DNA position 1171, A replaced by G.
Protein change: p.Ile391Val; replaces isoleucine 391 with valine.
Molecular consequence: missense variant.
Genome position (GRCh38, 1-based): chr1:10,278,119, A>G. VCF-style: chr1-10278119-A-G. GRCh37 (hg19) VCF-style: chr1-10338177-A-G.
Other names: c.1171A>G, p.Ile391Val (NM_001365952.1); c.1153A>G, p.Ile385Val (NM_001365953.1, NM_015074.3, NM_183416.4); short protein forms I385V, I391V.
Identifiers: ClinVar variation 1013228 (VCV001013228.38), dbSNP rs754483212, ClinGen allele CA580897.